The following is an entry in ClinVar:

ClinVar aggregate classification (germline): Uncertain significance (1 of 4 stars; one submission).

Conditions:
Cardiovascular phenotype. Identifiers: MedGen CN230736.

gnomAD v4.1: 4 of 1,508,954 alleles (0.00027%); highest among the groups gnomAD compares: Non-Finnish European, 0.00035%; no homozygotes.

Submission:

Ambry Genetics
Classification: Uncertain significance for Cardiovascular phenotype. Last evaluated: 2023-07-15. Review status: criteria provided, single submitter. Criteria: Ambry Variant Classification Scheme 2023. Collection method: clinical testing. Allele origin: germline.
Comment: The p.A3140P variant (also known as c.9418G>C), located in coding exon 2 of the ZNF469 gene, results from a G to C substitution at nucleotide position 9418. The alanine at codon 3140 is replaced by proline, an amino acid with highly similar properties. This amino acid position is conserved. In addition, this alteration is predicted to be tolerated by in silico analysis. Since supporting evidence is limited at this time, the clinical significance of this alteration remains unclear.

NM_001367624.2(ZNF469):c.9502G>C (p.Ala3168Pro)

Gene: ZNF469 (zinc finger protein 469; plus strand). Cytogenetic location: 16q24.2.
Variant type: single nucleotide variant.
Coding change: c.9502G>C on transcript NM_001367624.2 (MANE Select); coding-DNA position 9502, G replaced by C.
Protein change: p.Ala3168Pro; replaces alanine 3168 with proline.
Molecular consequence: missense variant.
Genome position (GRCh38, 1-based): chr16:88,436,972, G>C. VCF-style: chr16-88436972-G-C. GRCh37 (hg19) VCF-style: chr16-88503380-G-C.
Other names: NM_001127464.1:c.9418G>C; short protein forms A3168P.
Identifiers: ClinVar variation 2626120 (VCV002626120.2), dbSNP rs1026015169, ClinGen allele CA397122547.